The following is an entry in ClinVar:

NM_002693.3(POLG):c.3483-7C>T

Gene: POLG (DNA polymerase gamma, catalytic subunit; minus strand). Cytogenetic location: 15q26.1.
Variant type: single nucleotide variant.
Coding change: c.3483-7C>T on transcript NM_002693.3 (MANE Select); 7 bases into the intron before coding-DNA position 3483, C replaced by T.
Molecular consequence: intron variant.
Genome position (GRCh38, 1-based): chr15:89,317,543, G>A on the plus strand (C>T on the coding strand, the complement: POLG is on the minus strand). VCF-style: chr15-89317543-G-A. GRCh37 (hg19) VCF-style: chr15-89860774-G-A.
Other names: c.3483-7C>T (NM_001126131.2).
Identifiers: ClinVar variation 4682313 (VCV004682313.1).

ClinVar aggregate classification (germline): Uncertain significance (1 of 4 stars; one submission).

Submission:

Athena Diagnostics
Classification: Uncertain significance. Last evaluated: 2025-03-06. Review status: criteria provided, single submitter. Criteria: Athena Diagnostics Criteria. Collection method: clinical testing. Allele origin: unknown.
Comment: Available data are insufficient to determine the clinical significance of the variant at this time. This variant has not been reported in large, multi-ethnic general populations. Computational tools yielded predictions that this variant is unlikely to have an effect on normal RNA splicing.